The following is an entry in ClinVar:

ClinVar aggregate classification (germline): Uncertain significance. Review status: criteria provided, multiple submitters, no conflicts (2 of 4 stars). 2 submissions from 2 submitters: Uncertain significance (2). Last evaluated 2024-01-15.

Allele frequency attached by ClinVar (database versions not stated): gnomAD exomes below 0.00001; gnomAD 0.00001; TOPMed 0.00001.
gnomAD v4.1: 6 of 1,613,792 alleles (0.00037%); highest among the groups gnomAD compares: African/African-American, 0.004%; no homozygotes.

Submissions (2):

Labcorp Genetics (formerly Invitae), Labcorp
Classification: Uncertain significance. Last evaluated: 2024-01-15. Review status: criteria provided, single submitter. Criteria: Invitae Variant Classification Sherloc (09022015). Collection method: clinical testing. Allele origin: germline.
Comment: This sequence change replaces asparagine, which is neutral and polar, with serine, which is neutral and polar, at codon 1887 of the USH2A protein (p.Asn1887Ser). This variant is present in population databases (no rsID available, gnomAD 0.003%). This variant has not been reported in the literature in individuals affected with USH2A-related conditions. ClinVar contains an entry for this variant (Variation ID: 1436456). Advanced modeling of protein sequence and biophysical properties (such as structural, functional, and spatial information, amino acid conservation, physicochemical variation, residue mobility, and thermodynamic stability) performed at Invitae indicates that this missense variant is expected to disrupt USH2A protein function with a positive predictive value of 80%. In summary, the available evidence is currently insufficient to determine the role of this variant in disease. Therefore, it has been classified as a Variant of Uncertain Significance.

Blueprint Genetics
Classification: Uncertain significance. Last evaluated: 2021-05-14. Review status: criteria provided, single submitter. Criteria: ACMG Guidelines, 2015. Collection method: clinical testing. Allele origin: germline.

NM_206933.4(USH2A):c.5660A>G (p.Asn1887Ser)

Genes: USH2A (usherin; minus strand), USH2A-AS2 (USH2A antisense RNA 2; plus strand). Cytogenetic location: 1q41.
Variant type: single nucleotide variant.
Coding change: c.5660A>G on transcript NM_206933.4 (MANE Select); coding-DNA position 5660, A replaced by G.
Protein change: p.Asn1887Ser; replaces asparagine 1887 with serine.
Molecular consequence: missense variant.
Genome position (GRCh38, 1-based): chr1:216,073,213, T>C on the plus strand (A>G on the coding strand, the complement: USH2A is on the minus strand). VCF-style: chr1-216073213-T-C. GRCh37 (hg19) VCF-style: chr1-216246555-T-C.
Other names: short protein forms N1887S.
Identifiers: ClinVar variation 1436456 (VCV001436456.8), dbSNP rs1241916861, ClinGen allele CA344854542.